The following is an entry in ClinVar:

ClinVar aggregate classification (germline): Uncertain significance (1 of 4 stars; one submission).

Submission:

GeneDx
Classification: Uncertain significance. Last evaluated: 2025-04-14. Review status: criteria provided, single submitter. Criteria: GeneDx Variant Classification Process June 2021. Collection method: clinical testing. Allele origin: germline. Affected: yes.
Comment: Not observed at significant frequency in large population cohorts (gnomAD); In silico analysis supports that this missense variant has a deleterious effect on protein structure/function; Has not been previously published as pathogenic or benign to our knowledge

NM_005901.6(SMAD2):c.158A>G (p.Lys53Arg)

Gene: SMAD2 (SMAD family member 2; minus strand). Cytogenetic location: 18q21.1.
Variant type: single nucleotide variant.
Coding change: c.158A>G on transcript NM_005901.6 (MANE Select); coding-DNA position 158, A replaced by G.
Protein change: p.Lys53Arg; replaces lysine 53 with arginine.
Molecular consequence: missense variant.
Genome position (GRCh38, 1-based): chr18:47,896,599, T>C on the plus strand (A>G on the coding strand, the complement: SMAD2 is on the minus strand). VCF-style: chr18-47896599-T-C. GRCh37 (hg19) VCF-style: chr18-45422970-T-C.
Other names: c.158A>G, p.Lys53Arg (NM_001003652.4, NM_001135937.3); short protein forms K53R.
Identifiers: ClinVar variation 4282129 (VCV004282129.1).